The following is an entry in ClinVar:

NM_177972.3(TUB):c.422C>G (p.Ala141Gly)

Genes: RIC3 (RIC3 acetylcholine receptor chaperone; minus strand), TUB (TUB bipartite transcription factor; plus strand). Cytogenetic location: 11p15.4.
Variant type: single nucleotide variant.
Coding change: c.422C>G on transcript NM_177972.3 (MANE Select); coding-DNA position 422, C replaced by G.
Protein change: p.Ala141Gly; replaces alanine 141 with glycine.
Molecular consequence: missense variant. On other transcripts: intron variant (3).
Genome position (GRCh38, 1-based): chr11:8,095,522, C>G. VCF-style: chr11-8095522-C-G. GRCh37 (hg19) VCF-style: chr11-8117069-C-G.
Other names: c.440C>G, p.Ala147Gly (NM_001440538.1, NM_001440539.1); c.587C>G, p.Ala196Gly (NM_003320.5); c.416-1163C>G (NM_001440540.1, NM_001440542.1); c.398-1163C>G (NM_001440541.1); short protein forms A141G, A147G, A196G.
Identifiers: ClinVar variation 4991510 (VCV004991510.1).

ClinVar aggregate classification (germline): Uncertain significance (1 of 4 stars; one submission).

Conditions:
TUB-related disorder. Also called: TUB-related condition.

gnomAD v4.1: 1 of 1,611,850 alleles (0.000062%); highest among the groups gnomAD compares: Non-Finnish European, 0.000085%; no homozygotes.

Submission:

PreventionGenetics, part of Exact Sciences
Classification: Uncertain significance for TUB-related condition. Last evaluated: 2026-04-13. Review status: criteria provided, single submitter. Criteria: ACMG Guidelines, 2015. Collection method: clinical testing. Allele origin: germline.
Comment: The TUB c.587C>G variant is predicted to result in the amino acid substitution p.Ala196Gly. To our knowledge, this variant has not been reported in the literature or in a large population database (gnomAD), indicating this variant is rare. At this time, the clinical significance of this variant is uncertain due to the absence of conclusive functional and genetic evidence.